The following is an entry in ClinVar:

NM_004092.4(ECHS1):c.4dup (p.Ala2fs)

Genes: ECHS1 (enoyl-CoA hydratase, short chain 1; minus strand), LOC130005023 (ATAC-STARR-seq lymphoblastoid silent region 2977; plus strand). Cytogenetic location: 10q26.3.
Variant type: Duplication.
Coding change: c.4dup on transcript NM_004092.4 (MANE Select); coding-DNA position 4, one base duplicated (G; older notation c.4dupG).
Protein change: p.Ala2fs; shifts the reading frame from alanine 2.
Molecular consequence: frameshift variant, initiator codon variant.
Genome position (GRCh38, 1-based): chr10:133,373,330, C duplicated on the plus strand (G on the coding strand, the reverse complement: ECHS1 is on the minus strand); the first of 2 consecutive C bases (chr10:133,373,330-133,373,331); duplicating either gives the same sequence. VCF-style (leftmost placement, unchanged base first): chr10-133373329-G-GC. GRCh37 (hg19) VCF-style: chr10-135186833-G-GC.
Other names: short protein forms A2fs.
Identifiers: ClinVar variation 3775077 (VCV003775077.1).

ClinVar aggregate classification (germline): Likely pathogenic (1 of 4 stars; one submission).

Conditions:
Mitochondrial short-chain Enoyl-Coa hydratase 1 deficiency. Also called: PxMD-ECHS1; Mitochondrial Short-Chain Enoyl-CoA Hydratase Deficiency; ECHS1 deficiency. Identifiers: Orphanet 255241, Orphanet 653880, MedGen C4225391, MONDO:0014563, OMIM 616277.

Submission:

Intergen Genetics and Rare Diseases Diagnosis Center
Classification: Likely pathogenic for Mitochondrial short-chain Enoyl-Coa hydratase 1 deficiency. Last evaluated: 2025-03-18. Review status: criteria provided, single submitter. Criteria: ACMG Guidelines, 2015. Collection method: clinical testing. Allele origin: paternal. Inheritance: Autosomal recessive inheritance. Affected: yes. Observed: 1 compound heterozygote.
Comment: rare null variant